The following is an entry in ClinVar:

NM_004370.6(COL12A1):c.441C>T (p.Gly147=)

Gene: COL12A1 (collagen type XII alpha 1 chain; minus strand). Cytogenetic location: 6q13.
Variant type: single nucleotide variant.
Coding change: c.441C>T on transcript NM_004370.6 (MANE Select); coding-DNA position 441, C replaced by T.
Protein change: p.Gly147=; no amino-acid change (glycine 147 retained).
Molecular consequence: synonymous variant. On other transcripts: intron variant (1).
Genome position (GRCh38, 1-based): chr6:75,189,769, G>A on the plus strand (C>T on the coding strand, the complement: COL12A1 is on the minus strand). VCF-style: chr6-75189769-G-A. GRCh37 (hg19) VCF-style: chr6-75899485-G-A.
Other names: p.Gly147=; c.73+12951C>T (NM_080645.3).
Identifiers: ClinVar variation 1161030 (VCV001161030.30), dbSNP rs370007721, ClinGen allele CA3894423.
Genomic context (GRCh38, chr6:75,189,769, plus strand): 5'-CACAAGAGCAGCAATGAAGTCTAAAATGTACTTGAAATTATTTCTTCCCACACTCCAAGA[G>A]CCATCCACGAGGAAAACCAAATCAGTCCAGGCACTGACAGAGCATTCTGAAATACATTTG-3'
Protein context (NP_004361.3, residues 137-157): AWTDLVFLVD[Gly147=]SWSVGRNNFK

ClinVar aggregate classification (germline): Conflicting classifications of pathogenicity. Review status: criteria provided, conflicting classifications (1 of 4 stars). 5 submissions from 5 submitters: Uncertain significance (1); Likely benign (4). Last evaluated 2026-04-21.

Conditions:
Ullrich congenital muscular dystrophy 2 (UCMD2). Identifiers: Orphanet 75840, MedGen C4225314, MONDO:0014654, OMIM 616470.
Bethlem myopathy 2 (BTHLM2). Identifiers: Orphanet 536516, Orphanet 610, MedGen C4225313, MONDO:0034022, OMIM 616471.

Allele frequency attached by ClinVar (database versions not stated): gnomAD 0.00001; TOPMed 0.00002; gnomAD exomes 0.00003 and 0.00008; ESP Exome Variant Server 0.00008; ExAC 0.00013.
gnomAD v4.1: 41 of 1,613,066 alleles (0.0025%); highest among the groups gnomAD compares: South Asian, 0.0077%; no homozygotes.

Submissions (5):

Women's Health and Genetics/Laboratory Corporation of America, LabCorp
Classification: Likely benign. Last evaluated: 2026-04-21. Review status: criteria provided, single submitter. Criteria: LabCorp Variant Classification Summary - May 2015. Collection method: clinical testing. Allele origin: germline.

Mayo Clinic Laboratories, Mayo Clinic
Classification: Likely benign. Last evaluated: 2025-10-20. Review status: criteria provided, single submitter. Criteria: ACMG Guidelines, 2015. Collection method: clinical testing. Allele origin: germline. Observed: 1 variant allele.
Comment: BP4, BP7

Labcorp Genetics (formerly Invitae), Labcorp
Classification: Likely benign for Bethlem myopathy 2; Ullrich congenital muscular dystrophy 2. Last evaluated: 2025-08-29. Review status: criteria provided, single submitter. Criteria: Invitae Variant Classification Sherloc (09022015). Collection method: clinical testing. Allele origin: germline.

CeGaT Center for Human Genetics Tuebingen
Classification: Likely benign. Last evaluated: 2024-07-01. Review status: criteria provided, single submitter. Criteria: CeGaT Center For Human Genetics Tuebingen Variant Classification Criteria Version 2. Collection method: clinical testing. Allele origin: germline. Affected: yes. Observed: 1 variant allele.
Comment: COL12A1: BP4, BP7

Revvity Omics, Revvity
Classification: Uncertain significance. Last evaluated: 2022-07-18. Review status: criteria provided, single submitter. Criteria: ACMG Guidelines, 2015. Collection method: clinical testing. Allele origin: germline.